The following is an entry in ClinVar:

ClinVar aggregate classification (germline): Uncertain significance (1 of 4 stars; one submission).

Conditions:
KBG syndrome (KBGS). Also called: ANKRD11-Related KBG Syndrome. Identifiers: Orphanet 2332, MedGen C0220687, MONDO:0007846, OMIM 148050.

gnomAD v4.1: 29 of 1,592,922 alleles (0.0018%); highest among the groups gnomAD compares: South Asian, 0.0056%; no homozygotes.

Submission:

Labcorp Genetics (formerly Invitae), Labcorp
Classification: Uncertain significance for KBG syndrome. Last evaluated: 2026-01-02. Review status: criteria provided, single submitter. Criteria: Invitae Variant Classification Sherloc (09022015). Collection method: clinical testing. Allele origin: germline.
Comment: This variant occurs in a non-coding region of the ANKRD11 gene. It does not change the encoded amino acid sequence of the ANKRD11 protein. The frequency data for this variant in the population databases is considered unreliable, as metrics indicate poor data quality at this position in the gnomAD database. This variant has not been reported in the literature in individuals affected with ANKRD11-related conditions. ClinVar contains an entry for this variant (Variation ID: 3667012). In summary, the available evidence is currently insufficient to determine the role of this variant in disease. Therefore, it has been classified as a Variant of Uncertain Significance.

NM_013275.6(ANKRD11):c.-39G>A

Genes: ANKRD11 (ankyrin repeat domain 11; minus strand), LOC128462377 (ankyrin repeat domain 11 upstream open reading frame; minus strand). Cytogenetic location: 16q24.3.
Variant type: single nucleotide variant.
Coding change: c.-39G>A on transcript NM_013275.6 (MANE Select); 39 bases upstream of the start codon, G replaced by A.
Molecular consequence: 5 prime UTR variant. On other transcripts: synonymous variant (2), non-coding transcript variant (1).
Genome position (GRCh38, 1-based): chr16:89,317,058, C>T on the plus strand (G>A on the coding strand, the complement: ANKRD11 is on the minus strand). VCF-style: chr16-89317058-C-T. GRCh37 (hg19) VCF-style: chr16-89383466-C-T.
Other names: c.27G>A, p.Ala9= (NM_001416403.1); c.30G>A, p.Ala10= (NM_001417603.1); c.-39G>A (NM_001256182.2, NM_001256183.2).
Identifiers: ClinVar variation 3667012 (VCV003667012.2).